The following is an entry in ClinVar:

NM_018489.3(ASH1L):c.3594C>T (p.Pro1198=)

Gene: ASH1L (ASH1 like histone lysine methyltransferase; minus strand). Cytogenetic location: 1q22.
Variant type: single nucleotide variant.
Coding change: c.3594C>T on transcript NM_018489.3 (MANE Select); coding-DNA position 3594, C replaced by T.
Protein change: p.Pro1198=; no amino-acid change (proline 1198 retained).
Molecular consequence: synonymous variant.
Genome position (GRCh38, 1-based): chr1:155,479,276, G>A on the plus strand (C>T on the coding strand, the complement: ASH1L is on the minus strand). VCF-style: chr1-155479276-G-A. GRCh37 (hg19) VCF-style: chr1-155449067-G-A.
Other names: c.3594C>T, p.Pro1198= (NM_001366177.2).
Identifiers: ClinVar variation 729086 (VCV000729086.9), dbSNP rs144333010, ClinGen allele CA1147046.

ClinVar aggregate classification (germline): Benign/Likely benign. Review status: criteria provided, multiple submitters, no conflicts (2 of 4 stars). 2 submissions from 2 submitters: Benign (1); Likely benign (1). Last evaluated 2025-11-01.

Allele frequency attached by ClinVar (database versions not stated): gnomAD exomes 0.00015 and 0.00038; ExAC 0.00045; 1000 Genomes Project 0.00120; gnomAD 0.00140 and 0.00151; 1000 Genomes Project 30x 0.00141; TOPMed 0.00163; ESP Exome Variant Server 0.00177.
gnomAD v4.1: 443 of 1,614,014 alleles (0.027%); highest among the groups gnomAD compares: African/African-American, 0.52%; 2 homozygotes.

Submissions (2):

CeGaT Center for Human Genetics Tuebingen
Classification: Likely benign. Last evaluated: 2025-11-01. Review status: criteria provided, single submitter. Criteria: CeGaT Center For Human Genetics Tuebingen Variant Classification Criteria Version 2. Collection method: clinical testing. Allele origin: germline. Affected: yes. Observed: 1 variant allele.
Comment: ASH1L: BP4, BP7

Labcorp Genetics (formerly Invitae), Labcorp
Classification: Benign. Last evaluated: 2018-04-20. Review status: criteria provided, single submitter. Criteria: Invitae Variant Classification Sherloc (09022015). Collection method: clinical testing. Allele origin: germline.